The following is an entry in ClinVar:

NM_003384.3(VRK1):c.221C>G (p.Pro74Arg)

Gene: VRK1 (VRK serine/threonine kinase 1; plus strand). Cytogenetic location: 14q32.2.
Variant type: single nucleotide variant.
Coding change: c.221C>G on transcript NM_003384.3 (MANE Select); coding-DNA position 221, C replaced by G.
Protein change: p.Pro74Arg; replaces proline 74 with arginine.
Molecular consequence: missense variant.
Genome position (GRCh38, 1-based): chr14:96,846,099, C>G. VCF-style: chr14-96846099-C-G. GRCh37 (hg19) VCF-style: chr14-97312436-C-G.
Other names: c.221C>G, p.Pro74Arg (NM_001411051.1, NM_001411053.1); short protein forms P74R.
Identifiers: ClinVar variation 2103455 (VCV002103455.4), dbSNP rs2504164482, ClinGen allele CA390929301.
Genomic context (GRCh38, chr14:96,846,099, plus strand): 5'-AAAATATCTCAGTAATTTTAACTACTGCTAGTACTAATTAACTCTTATATTTTAAGGAAC[C>G]CAGTGACAATGGACCTCTTTTTACTGAATTAAAGTTCTACCAACGAGCTGCAAAACCAGA-3'
Protein context (NP_003375.1, residues 64-84): SDAPCVVKVE[Pro74Arg]SDNGPLFTEL

ClinVar aggregate classification (germline): Uncertain significance (1 of 4 stars; one submission).

Conditions:
Pontocerebellar hypoplasia type 1A (PCH1A). Also called: PONTOCEREBELLAR HYPOPLASIA WITH ANTERIOR HORN CELL DISEASE; PONTOCEREBELLAR HYPOPLASIA WITH INFANTILE SPINAL MUSCULAR ATROPHY. Identifiers: Orphanet 2254, Orphanet 88616, MedGen C1843504, MONDO:0011866, OMIM 607596.

Allele frequency attached by ClinVar (database versions not stated): gnomAD exomes below 0.00001.
gnomAD v4.1: 1 of 1,612,892 alleles (0.000062%); highest among the groups gnomAD compares: Non-Finnish European, 0.000085%; no homozygotes.

Submission:

Labcorp Genetics (formerly Invitae), Labcorp
Classification: Uncertain significance for Pontocerebellar hypoplasia type 1A. Last evaluated: 2023-07-07. Review status: criteria provided, single submitter. Criteria: Invitae Variant Classification Sherloc (09022015). Collection method: clinical testing. Allele origin: germline.
Comment: In summary, the available evidence is currently insufficient to determine the role of this variant in disease. Therefore, it has been classified as a Variant of Uncertain Significance. An algorithm developed to predict the effect of missense changes on protein structure and function (PolyPhen-2) suggests that this variant is likely to be disruptive. ClinVar contains an entry for this variant (Variation ID: 2103455). This variant has not been reported in the literature in individuals affected with VRK1-related conditions. This variant is not present in population databases (gnomAD no frequency). This sequence change replaces proline, which is neutral and non-polar, with arginine, which is basic and polar, at codon 74 of the VRK1 protein (p.Pro74Arg).